The following is an entry in ClinVar:

NM_024334.3(TMEM43):c.428C>T (p.Thr143Met)

Gene: TMEM43 (transmembrane protein 43; plus strand). Cytogenetic location: 3p25.1.
Variant type: single nucleotide variant.
Coding change: c.428C>T on transcript NM_024334.3 (MANE Select); coding-DNA position 428, C replaced by T.
Protein change: p.Thr143Met; replaces threonine 143 with methionine.
Molecular consequence: missense variant.
Genome position (GRCh38, 1-based): chr3:14,132,581, C>T. VCF-style: chr3-14132581-C-T. GRCh37 (hg19) VCF-style: chr3-14174081-C-T.
Other names: short protein forms T143M.
Identifiers: ClinVar variation 179489 (VCV000179489.30), dbSNP rs544554435, ClinGen allele CA024692.

ClinVar aggregate classification (germline): Conflicting classifications of pathogenicity. Review status: criteria provided, conflicting classifications (1 of 4 stars). 13 submissions from 13 submitters: Uncertain significance (10); Likely benign (3). Last evaluated 2026-01-21.

Conditions:
Emery-Dreifuss muscular dystrophy 7, autosomal dominant (EDMD7). Also called: Emery-Dreifuss muscular dystrophy 7, AD. Identifiers: Orphanet 261, MedGen C3553060, MONDO:0013677, OMIM 614302.
Arrhythmogenic right ventricular dysplasia 5. Also called: Arrhythmogenic Right Ventricular Dysplasia/Cardiomyopathy 5; ARRHYTHMOGENIC RIGHT VENTRICULAR DYSPLASIA, FAMILIAL, 5. Identifiers: MedGen C1858379, MONDO:0011459, OMIM 604400.
Auditory neuropathy, autosomal dominant 3 (AUNA3). Identifiers: MedGen C5676964, MONDO:0859235, OMIM 619832.
Cardiovascular phenotype. Identifiers: MedGen CN230736.
Cardiomyopathy (CMYO). Also called: Cardiomyopathies. Identifiers: Orphanet 167848, MedGen C0878544, MONDO:0004994, HP:0001638. Inheritance: Various modes of inheritance.

Allele frequency attached by ClinVar (database versions not stated): ExAC 0.00003; gnomAD exomes 0.00004 and 0.00006; gnomAD 0.00008 and 0.00009; TOPMed 0.00012; 1000 Genomes Project 30x 0.00031; 1000 Genomes Project 0.00040.
gnomAD v4.1: 102 of 1,614,084 alleles (0.0063%); highest among the groups gnomAD compares: Admixed American, 0.018%; no homozygotes.

Submissions (13):

Labcorp Genetics (formerly Invitae), Labcorp
Classification: Uncertain significance for Arrhythmogenic right ventricular dysplasia 5. Last evaluated: 2026-01-21. Review status: criteria provided, single submitter. Criteria: Invitae Variant Classification Sherloc (09022015). Collection method: clinical testing. Allele origin: germline.
Comment: This sequence change replaces threonine, which is neutral and polar, with methionine, which is neutral and non-polar, at codon 143 of the TMEM43 protein (p.Thr143Met). This variant is present in population databases (rs544554435, gnomAD 0.01%). This variant has not been reported in the literature in individuals affected with TMEM43-related conditions. ClinVar contains an entry for this variant (Variation ID: 179489). Invitae Evidence Modeling of protein sequence and biophysical properties (such as structural, functional, and spatial information, amino acid conservation, physicochemical variation, residue mobility, and thermodynamic stability) indicates that this missense variant is expected to disrupt TMEM43 protein function with a positive predictive value of 80%. In summary, the available evidence is currently insufficient to determine the role of this variant in disease. Therefore, it has been classified as a Variant of Uncertain Significance.

Molecular Diagnostic Laboratory for Inherited Cardiovascular Disease, Montreal Heart Institute
Classification: Uncertain significance for Cardiovascular phenotype. Last evaluated: 2025-04-09. Review status: criteria provided, single submitter. Criteria: ACMG Guidelines, 2015. Collection method: clinical testing. Allele origin: germline. Affected: yes.

Athena Diagnostics
Classification: Uncertain significance. Last evaluated: 2025-03-13. Review status: criteria provided, single submitter. Criteria: Athena Diagnostics Criteria. Collection method: clinical testing. Allele origin: unknown.
Comment: Available data are insufficient to determine the clinical significance of the variant at this time. The frequency of this variant in the general population is uninformative in assessment of its pathogenicity. Polyphen and MutationTaster predict this amino acid change may be damaging to the protein.

GeneDx
Classification: Uncertain significance. Last evaluated: 2025-01-15. Review status: criteria provided, single submitter. Criteria: GeneDx Variant Classification Process June 2021. Collection method: clinical testing. Allele origin: germline. Affected: yes.
Comment: Has not been previously published in association with a TMEM43-related disorder as pathogenic or benign to our knowledge; In silico analysis supports that this missense variant has a deleterious effect on protein structure/function; This variant is associated with the following publications: (PMID: 23812740, 21636032)

Revvity Omics, Revvity
Classification: Uncertain significance. Last evaluated: 2024-11-13. Review status: criteria provided, single submitter. Criteria: ACMG Guidelines, 2015. Collection method: clinical testing. Allele origin: germline.

All of Us Research Program, National Institutes of Health
Classification: Uncertain significance for Arrhythmogenic right ventricular dysplasia 5. Last evaluated: 2024-09-23. Review status: criteria provided, single submitter. Criteria: ACMG Guidelines, 2015. Collection method: clinical testing. Allele origin: germline. Inheritance: Autosomal dominant inheritance. Observed: 24 variant alleles, 24 heterozygotes.
Comment: This missense variant replaces threonine with methionine at codon 143 of the TMEM43 protein. Computational prediction suggests that this variant may not impact protein structure and function (internally defined REVEL score threshold <= 0.5, PMID: 27666373). To our knowledge, functional studies have not been reported for this variant. This variant has not been reported in individuals affected with cardiovascular disorders in the literature. This variant has been identified in 12/282704 chromosomes in the general population by the Genome Aggregation Database (gnomAD). The available evidence is insufficient to determine the role of this variant in disease conclusively. Therefore, this variant is classified as a Variant of Uncertain Significance.

This study involves interpretation of variants in research participants for the purpose of population health screening. Participant phenotype was not available at the time of variant classification. Additional details can be found in publication PMID: 35346344, PMCID: PMC8962531

Blueprint Genetics
Classification: Likely benign. Last evaluated: 2023-12-14. Review status: criteria provided, single submitter. Criteria: ACMG Guidelines, 2015. Collection method: clinical testing. Allele origin: germline.

Color Diagnostics, LLC DBA Color Health
Classification: Uncertain significance for Cardiomyopathy. Last evaluated: 2023-11-27. Review status: criteria provided, single submitter. Criteria: ACMG Guidelines, 2015. Collection method: clinical testing. Allele origin: germline.
Comment: This missense variant replaces threonine with methionine at codon 143 of the TMEM43 protein. Computational prediction suggests that this variant may not impact protein structure and function (internally defined REVEL score threshold <= 0.5, PMID: 27666373). To our knowledge, functional studies have not been reported for this variant. This variant has not been reported in individuals affected with cardiovascular disorders in the literature. This variant has been identified in 12/282704 chromosomes in the general population by the Genome Aggregation Database (gnomAD). The available evidence is insufficient to determine the role of this variant in disease conclusively. Therefore, this variant is classified as a Variant of Uncertain Significance.

Women's Health and Genetics/Laboratory Corporation of America, LabCorp
Classification: Likely benign. Last evaluated: 2023-03-27. Review status: criteria provided, single submitter. Criteria: LabCorp Variant Classification Summary - May 2015. Collection method: clinical testing. Allele origin: germline.
Comment: Variant summary: TMEM43 c.428C>T (p.Thr143Met) results in a non-conservative amino acid change in the encoded protein sequence. Four of five in-silico tools predict a damaging effect of the variant on protein function. The variant allele was found at a frequency of 4e-05 in 251332 control chromosomes. The observed variant frequency is approximately 5 fold of the estimated maximal expected allele frequency for a pathogenic variant in TMEM43 causing Arrhythmogenic Right Ventricular Dysplasia/Cardiomyopathy phenotype (8.3e-06), strongly suggesting that the variant is benign. To our knowledge, no occurrence of c.428C>T in individuals affected with Arrhythmogenic Right Ventricular Dysplasia/Cardiomyopathy and no experimental evidence demonstrating its impact on protein function have been reported. Six clinical diagnostic laboratories have submitted clinical-significance assessments for this variant to ClinVar after 2014 without evidence for independent evaluation (likely benign n=1, VUS n=5). Based on the evidence outlined above, the variant was classified as likely benign.

Fulgent Genetics
Classification: Uncertain significance for Arrhythmogenic right ventricular dysplasia 5; Emery-Dreifuss muscular dystrophy 7, autosomal dominant; Auditory neuropathy, autosomal dominant 3. Last evaluated: 2021-11-15. Review status: criteria provided, single submitter. Criteria: ACMG Guidelines, 2015. Collection method: clinical testing. Allele origin: unknown.

Ambry Genetics
Classification: Likely benign for Cardiovascular phenotype. Last evaluated: 2021-08-18. Review status: criteria provided, single submitter. Criteria: Ambry Variant Classification Scheme 2023. Collection method: clinical testing. Allele origin: germline.

Victorian Clinical Genetics Services, Murdoch Childrens Research Institute
Classification: Uncertain significance for Arrhythmogenic right ventricular dysplasia 5. Last evaluated: 2020-06-11. Review status: criteria provided, single submitter. Criteria: ACMG Guidelines, 2015. Collection method: clinical testing. Allele origin: germline. Inheritance: Autosomal dominant inheritance.
Comment: Based on the classification scheme VCGS_Germline_v1.1.1, this variant is classified as 3B-VUS. Following criteria are met: 0105 - The mechanism of disease for this gene is not clearly established. However, loss-of-function is suspected considering the effect of p.(Ser358Leu) in protein function (PMID 25343256). (N) 0107 - This gene is known to be associated with autosomal dominant disease. (N) 0200 - Variant is predicted to result in a missense amino acid change from threonine to methionine (exon 5). (N) 0251 - Variant is heterozygous. (N) 0302 - Variant is present in gnomAD <0.001 for a dominant condition (12 heterozygotes, 0 homozygotes). (P) 0502 - Missense variant with conflicting in silico predictions and uninformative conservation. (N) 0600 - Variant is located in an annotated domain or motif (TMEM43 domain; NCBI, PDB, Decipher). (N) 0705 - No comparable variants have previous evidence for pathogenicity. (N) 0808 - Previous reports of pathogenicity are inconclusive. This variant has been previously reported as VUS (ClinVar) and was found in the control group in a study of patients with arrhythmogenic right ventricular dysplasia 5 (PMID: 21636032). (N) 0905 - No segregation evidence has been identified for this variant. (N) 1007 - No published functional evidence has been identified for this variant. (N) 1208 - Inheritance information for this variant is not currently available. (N) Legend: (P) - Pathogenic, (N) - Neutral, (B) - Benign

Laboratory for Molecular Medicine, Mass General Brigham Personalized Medicine
Classification: Uncertain significance. Last evaluated: 2014-09-30. Review status: criteria provided, single submitter. Criteria: LMM Criteria. Collection method: clinical testing. Allele origin: germline. Observed: 2 variant alleles.
Comment: This variant was not identified in large population s tudies; however, it has been identified in 1/854 healthy control chromosomes (Ka pplinger 2011). Computational prediction tools and conservation analysis do not provide strong support for or against an impact to the protein. In summary, the clinical significance of the Thr143Met variant is uncertain.

Literature cited by the submitters: PubMed 21636032 (cited by 4 submitters); PubMed 35929463 (cited by Athena Diagnostics); PubMed 23812740 (cited by Athena Diagnostics); PubMed 38691546 (cited by Athena Diagnostics); PubMed 25343256 (cited by Victorian Clinical Genetics Services, Murdoch Childrens Research Institute).